The following is an entry in ClinVar:

ClinVar aggregate classification (germline): Uncertain significance (1 of 4 stars; one submission).

Conditions:
Severe X-linked mitochondrial encephalomyopathy. Also called: ENCEPHALOMYOPATHY, MITOCHONDRIAL, X-LINKED. Identifiers: Orphanet 238329, MedGen C3151753, MONDO:0010437, OMIM 300816.

Submission:

Unidad de Genómica Garrahan, Hospital de Pediatría Garrahan
Classification: Uncertain significance for Severe X-linked mitochondrial encephalomyopathy. Last evaluated: 2023-12-21. Review status: criteria provided, single submitter. Criteria: ACMG Guidelines, 2015. Collection method: clinical testing. Allele origin: maternal. Inheritance: X-linked recessive inheritance. Affected: yes.
Comment: A missense variant, NM_004208.4:c.1342G>A, was identified in exon 13 of the AIFM1 gene in a hemizygous state. This variant results in a protein change from glycine to arginine at position 448 (p.(Gly448Arg)), located within a well-established and highly conserved motif. The variant has a frequency of zero in population databases and has not been reported in disease-related databases or scientific publications. However, a different variant affecting the same amino acid has been reported and is classified as of uncertain significance (ClinVar ID: 2428913). Furthermore, bioinformatic prediction tools suggest that the identified variant is likely to have a deleterious effect on the protein's functionality.

NM_004208.4(AIFM1):c.1342G>A (p.Gly448Arg)

Genes: RAB33A (RAB33A, member RAS oncogene family; plus strand), AIFM1 (apoptosis inducing factor mitochondria associated 1; minus strand). Cytogenetic location: Xq26.1.
Variant type: single nucleotide variant.
Coding change: c.1342G>A on transcript NM_004208.4 (MANE Select); coding-DNA position 1342, G replaced by A.
Protein change: p.Gly448Arg; replaces glycine 448 with arginine.
Molecular consequence: missense variant. On other transcripts: 3 prime UTR variant (1), non-coding transcript variant (1).
Genome position (GRCh38, 1-based): chrX:130,133,419, C>T on the plus strand (G>A on the coding strand, the complement: AIFM1 is on the minus strand). VCF-style: chrX-130133419-C-T. GRCh37 (hg19) VCF-style: chrX-129267394-C-T.
Other names: c.325G>A, p.Gly109Arg (NM_001130846.4); c.*570G>A (NM_001130847.4); c.1330G>A, p.Gly444Arg (NM_145812.3); short protein forms G109R, G444R, G448R.
Identifiers: ClinVar variation 3391178 (VCV003391178.3).
Genomic context (GRCh38, chrX:130,133,419, plus strand): 5'-TTTCTCCAGCCAATCTTCCACTCACAACAGCGTGATCATGGTGCTCTACCCGCCTCCTTC[C>T]CAACTTTATATCGTAGAAGCATGCAGCATCTCCTGCCTGTGGAAACAAATACATAACATG-3'
Protein context (NP_004199.1, residues 438-458): DAACFYDIKL[Gly448Arg]RRRVEHHDHA